The following is an entry in ClinVar:

ClinVar aggregate classification (germline): Uncertain significance (1 of 4 stars; one submission).

Conditions:
T-cell immunodeficiency, congenital alopecia, and nail dystrophy. Also called: Congenital alopecia and nail dystrophy associated with severe functional T-cell immunodeficiency; Pignata Guarino syndrome. Identifiers: Orphanet 169095, MedGen C1866426, MONDO:0011132, OMIM 601705.

Submission:

Labcorp Genetics (formerly Invitae), Labcorp
Classification: Uncertain significance for T-cell immunodeficiency, congenital alopecia, and nail dystrophy. Last evaluated: 2022-02-02. Review status: criteria provided, single submitter. Criteria: Invitae Variant Classification Sherloc (09022015). Collection method: clinical testing. Allele origin: germline.
Comment: Algorithms developed to predict the effect of missense changes on protein structure and function are either unavailable or do not agree on the potential impact of this missense change (SIFT: "Deleterious"; PolyPhen-2: "Benign"; Align-GVGD: "Class C0"). In summary, the available evidence is currently insufficient to determine the role of this variant in disease. Therefore, it has been classified as a Variant of Uncertain Significance. This variant has not been reported in the literature in individuals affected with FOXN1-related conditions. This variant is not present in population databases (gnomAD no frequency). This sequence change replaces glutamine, which is neutral and polar, with histidine, which is basic and polar, at codon 194 of the FOXN1 protein (p.Gln194His).

NM_001369369.1(FOXN1):c.582A>C (p.Gln194His)

Gene: FOXN1 (forkhead box N1; plus strand). Cytogenetic location: 17q11.2.
Variant type: single nucleotide variant.
Coding change: c.582A>C on transcript NM_001369369.1 (MANE Select); coding-DNA position 582, A replaced by C.
Protein change: p.Gln194His; replaces glutamine 194 with histidine.
Molecular consequence: missense variant.
Genome position (GRCh38, 1-based): chr17:28,524,961, A>C. VCF-style: chr17-28524961-A-C. GRCh37 (hg19) VCF-style: chr17-26851979-A-C.
Other names: c.582A>C, p.Gln194His (NM_003593.3); short protein forms Q194H.
Identifiers: ClinVar variation 2092081 (VCV002092081.4), dbSNP rs776102940, ClinGen allele CA398322097.
Genomic context (GRCh38, chr17:28,524,961, plus strand): 5'-CTTCTCAGCAGAGGCCTGGTGTAACGGGCTCCCCTACCCCAGCCAGGAGCATGGCCCCCA[A>C]GTCCTGGTGAGTACTAGTGGCCAGCGAGTGTCCCATCTTCCCACTGTCCCAGTTCCTAGC-3'
Protein context (NP_001356298.1, residues 184-204): LPYPSQEHGP[Gln194His]VLGSEVKVKP